The following is an entry in ClinVar:

NM_020693.4(DSCAML1):c.195C>G (p.Asp65Glu)

Gene: DSCAML1 (DS cell adhesion molecule like 1; minus strand). Cytogenetic location: 11q23.3.
Variant type: single nucleotide variant.
Coding change: c.195C>G on transcript NM_020693.4 (MANE Select); coding-DNA position 195, C replaced by G.
Protein change: p.Asp65Glu; replaces aspartic acid 65 with glutamic acid.
Molecular consequence: missense variant. On other transcripts: 5 prime UTR variant (1).
Genome position (GRCh38, 1-based): chr11:117,780,662, G>C on the plus strand (C>G on the coding strand, the complement: DSCAML1 is on the minus strand). VCF-style: chr11-117780662-G-C. GRCh37 (hg19) VCF-style: chr11-117651377-G-C.
Other names: c.195C>G, p.Asp65Glu (NM_001367904.1); c.-214C>G (NM_001367905.1); short protein forms D65E.
Identifiers: ClinVar variation 1385629 (VCV001385629.6), dbSNP rs371370437, ClinGen allele CA382760862.

ClinVar aggregate classification (germline): Uncertain significance (1 of 4 stars; one submission).

gnomAD v4.1: 10 of 1,592,058 alleles (0.00063%); highest among the groups gnomAD compares: East Asian, 0.0046%; no homozygotes.

Submission:

Labcorp Genetics (formerly Invitae), Labcorp
Classification: Uncertain significance. Last evaluated: 2025-12-29. Review status: criteria provided, single submitter. Criteria: Invitae Variant Classification Sherloc (09022015). Collection method: clinical testing. Allele origin: germline.
Comment: This sequence change replaces aspartic acid, which is acidic and polar, with glutamic acid, which is acidic and polar, at codon 125 of the DSCAML1 protein (p.Asp125Glu). This variant is not present in population databases (gnomAD no frequency). This variant has not been reported in the literature in individuals affected with DSCAML1-related conditions. ClinVar contains an entry for this variant (Variation ID: 1385629). An algorithm developed to predict the effect of missense changes on protein structure and function (PolyPhen-2) suggests that this variant is likely to be tolerated. In summary, the available evidence is currently insufficient to determine the role of this variant in disease. Therefore, it has been classified as a Variant of Uncertain Significance.